The following is an entry in ClinVar:

ClinVar aggregate classification (germline): Uncertain significance (1 of 4 stars; one submission).

gnomAD v4.1: 10 of 1,538,328 alleles (0.00065%); highest among the groups gnomAD compares: Admixed American, 0.014%; no homozygotes.

Submission:

GeneDx
Classification: Uncertain significance. Last evaluated: 2026-01-12. Review status: criteria provided, single submitter. Criteria: GeneDx Variant Classification Process June 2021. Collection method: clinical testing. Allele origin: germline.
Comment: In silico analysis supports that this missense variant has a deleterious effect on protein structure/function; Has not been previously published as pathogenic or benign to our knowledge

NM_004667.6(HERC2):c.7379C>A (p.Pro2460Gln)

Gene: HERC2 (HECT and RLD domain containing E3 ubiquitin protein ligase 2; minus strand). Cytogenetic location: 15q13.1.
Variant type: single nucleotide variant.
Coding change: c.7379C>A on transcript NM_004667.6 (MANE Select); coding-DNA position 7379, C replaced by A.
Protein change: p.Pro2460Gln; replaces proline 2460 with glutamine.
Molecular consequence: missense variant.
Genome position (GRCh38, 1-based): chr15:28,202,448, G>T on the plus strand (C>A on the coding strand, the complement: HERC2 is on the minus strand). VCF-style: chr15-28202448-G-T. GRCh37 (hg19) VCF-style: chr15-28447594-G-T.
Other names: short protein forms P2460Q.
Identifiers: ClinVar variation 3767643 (VCV003767643.2).